The following is an entry in ClinVar:

NM_000152.5(GAA):c.1869G>T (p.Gln623His)

Gene: GAA (alpha glucosidase; plus strand). Cytogenetic location: 17q25.3.
Variant type: single nucleotide variant.
Coding change: c.1869G>T on transcript NM_000152.5 (MANE Select); coding-DNA position 1869, G replaced by T.
Protein change: p.Gln623His; replaces glutamine 623 with histidine.
Molecular consequence: missense variant.
Genome position (GRCh38, 1-based): chr17:80,112,692, G>T. VCF-style: chr17-80112692-G-T. GRCh37 (hg19) VCF-style: chr17-78086491-G-T.
Other names: c.1869G>T, p.Gln623His (NM_001079803.3, NM_001079804.3, NM_001406741.1 and 1 more transcripts); short protein forms Q623H.
Identifiers: ClinVar variation 2137354 (VCV002137354.2), dbSNP rs2510381668, ClinGen allele CA401369719.
Genomic context (GRCh38, chr17:80,112,692, plus strand): 5'-TGCTGGCCACGGCCGATACGCCGGCCACTGGACGGGGGACGTGTGGAGCTCCTGGGAGCA[G>T]CTCGCCTCCTCCGTGCCAGGTGAGCTCCTACCAGGAGGGGCTGCTCAGCAGAGTAGAGCC-3'
Protein context (NP_000143.2, residues 613-633): WTGDVWSSWE[Gln623His]LASSVPEILQ

ClinVar aggregate classification (germline): Uncertain significance (1 of 4 stars; one submission).

Conditions:
Glycogen storage disease, type II (IOPD). Also called: GLYCOGENOSIS, GENERALIZED, CARDIAC FORM; GSD II; CARDIOMEGALIA GLYCOGENICA DIFFUSA; Glycogen storage disease type 2; Acid maltase deficiency disease; Aglucosidase alfa. Identifiers: Orphanet 365, MedGen C0017921, MONDO:0009290, OMIM 232300.

Submission:

Labcorp Genetics (formerly Invitae), Labcorp
Classification: Uncertain significance for Glycogen storage disease, type II. Last evaluated: 2022-06-23. Review status: criteria provided, single submitter. Criteria: Invitae Variant Classification Sherloc (09022015). Collection method: clinical testing. Allele origin: germline.
Comment: In summary, the available evidence is currently insufficient to determine the role of this variant in disease. Therefore, it has been classified as a Variant of Uncertain Significance. Advanced modeling of protein sequence and biophysical properties (such as structural, functional, and spatial information, amino acid conservation, physicochemical variation, residue mobility, and thermodynamic stability) performed at Invitae indicates that this missense variant is not expected to disrupt GAA protein function. This variant has not been reported in the literature in individuals affected with GAA-related conditions. This variant is not present in population databases (gnomAD no frequency). This sequence change replaces glutamine, which is neutral and polar, with histidine, which is basic and polar, at codon 623 of the GAA protein (p.Gln623His).